The following is an entry in ClinVar:

NM_001283009.2(RTEL1):c.2327A>G (p.Glu776Gly)

Genes: RTEL1 (regulator of telomere elongation helicase 1; plus strand), RTEL1-TNFRSF6B (RTEL1-TNFRSF6B readthrough (NMD candidate); plus strand). Cytogenetic location: 20q13.33.
Variant type: single nucleotide variant.
Coding change: c.2327A>G on transcript NM_001283009.2 (MANE Select); coding-DNA position 2327, A replaced by G.
Protein change: p.Glu776Gly; replaces glutamic acid 776 with glycine.
Molecular consequence: missense variant. On other transcripts: non-coding transcript variant (1).
Genome position (GRCh38, 1-based): chr20:63,690,355, A>G. VCF-style: chr20-63690355-A-G. GRCh37 (hg19) VCF-style: chr20-62321708-A-G.
Other names: c.1658A>G, p.Glu553Gly (NM_001283010.1); c.2327A>G, p.Glu776Gly (NM_016434.4); c.2399A>G, p.Glu800Gly (NM_032957.5); short protein forms E776G, E800G, E553G.
Identifiers: ClinVar variation 3435950 (VCV003435950.3).

ClinVar aggregate classification (germline): Uncertain significance. Review status: criteria provided, multiple submitters, no conflicts (2 of 4 stars). 2 submissions from 2 submitters: Uncertain significance (2). Last evaluated 2024-11-22.

Conditions:
Dyskeratosis congenita, autosomal recessive 5 (DKCB5). Identifiers: MedGen C3554656, MONDO:0014076, OMIM 615190.
Pulmonary fibrosis and/or bone marrow failure, Telomere-related, 3. Also called: PULMONARY FIBROSIS AND/OR BONE MARROW FAILURE SYNDROME, TELOMERE-RELATED, 3. Identifiers: Orphanet 2032, MedGen C4225346, MONDO:0014613, OMIM 616373.
Inborn genetic diseases. Identifiers: MedGen C0950123, MeSH D030342.

Submissions (2):

Ambry Genetics
Classification: Uncertain significance for Inborn genetic diseases. Last evaluated: 2024-11-22. Review status: criteria provided, single submitter. Criteria: Ambry Variant Classification Scheme 2023. Collection method: clinical testing. Allele origin: germline.
Comment: The p.E776G variant (also known as c.2327A>G), located in coding exon 25 of the RTEL1 gene, results from an A to G substitution at nucleotide position 2327. The glutamic acid at codon 776 is replaced by glycine, an amino acid with similar properties. This amino acid position is conserved. In addition, this alteration is predicted to be tolerated by in silico analysis. Based on the available evidence, the clinical significance of this variant remains unclear.

Labcorp Genetics (formerly Invitae), Labcorp
Classification: Uncertain significance for Dyskeratosis congenita, autosomal recessive 5; Pulmonary fibrosis and/or bone marrow failure, Telomere-related, 3. Last evaluated: 2024-08-18. Review status: criteria provided, single submitter. Criteria: Invitae Variant Classification Sherloc (09022015). Collection method: clinical testing. Allele origin: germline.
Comment: This sequence change replaces glutamic acid, which is acidic and polar, with glycine, which is neutral and non-polar, at codon 776 of the RTEL1 protein (p.Glu776Gly). This variant is not present in population databases (gnomAD no frequency). This variant has not been reported in the literature in individuals affected with RTEL1-related conditions. An algorithm developed to predict the effect of missense changes on protein structure and function outputs the following: PolyPhen-2: "Benign". The glycine amino acid residue is found in multiple mammalian species, which suggests that this missense change does not adversely affect protein function. In summary, the available evidence is currently insufficient to determine the role of this variant in disease. Therefore, it has been classified as a Variant of Uncertain Significance.